The following is an entry in ClinVar:

NM_022124.6(CDH23):c.5285G>A (p.Arg1762Lys)

Gene: CDH23 (cadherin related 23; plus strand). Cytogenetic location: 10q22.1.
Variant type: single nucleotide variant.
Coding change: c.5285G>A on transcript NM_022124.6 (MANE Select); coding-DNA position 5285, G replaced by A.
Protein change: p.Arg1762Lys; replaces arginine 1762 with lysine.
Molecular consequence: missense variant.
Genome position (GRCh38, 1-based): chr10:71,779,364, G>A. VCF-style: chr10-71779364-G-A. GRCh37 (hg19) VCF-style: chr10-73539121-G-A.
Other names: short protein forms R1762K.
Identifiers: ClinVar variation 1957026 (VCV001957026.5), dbSNP rs2494344288, ClinGen allele CA377142869.

ClinVar aggregate classification (germline): Uncertain significance (1 of 4 stars; one submission).

Submission:

Labcorp Genetics (formerly Invitae), Labcorp
Classification: Uncertain significance. Last evaluated: 2022-01-04. Review status: criteria provided, single submitter. Criteria: Invitae Variant Classification Sherloc (09022015). Collection method: clinical testing. Allele origin: germline.
Comment: In summary, the available evidence is currently insufficient to determine the role of this variant in disease. Therefore, it has been classified as a Variant of Uncertain Significance. Algorithms developed to predict the effect of missense changes on protein structure and function are either unavailable or do not agree on the potential impact of this missense change (SIFT: "Deleterious"; PolyPhen-2: "Not Available"; Align-GVGD: "Class C25"). This variant has not been reported in the literature in individuals affected with CDH23-related conditions. This variant is not present in population databases (gnomAD no frequency). This sequence change replaces arginine, which is basic and polar, with lysine, which is basic and polar, at codon 1762 of the CDH23 protein (p.Arg1762Lys).